The following is an entry in ClinVar:

NM_006947.4(SRP72):c.1807C>T (p.Gln603Ter)

Gene: SRP72 (signal recognition particle 72; plus strand). Cytogenetic location: 4q12.
Variant type: single nucleotide variant.
Coding change: c.1807C>T on transcript NM_006947.4 (MANE Select); coding-DNA position 1807, C replaced by T.
Protein change: p.Gln603Ter; replaces glutamine 603 with a stop codon.
Molecular consequence: nonsense. On other transcripts: non-coding transcript variant (1).
Genome position (GRCh38, 1-based): chr4:56,500,664, C>T. VCF-style: chr4-56500664-C-T. GRCh37 (hg19) VCF-style: chr4-57366830-C-T.
Other names: c.1624C>T, p.Gln542Ter (NM_001267722.2); short protein forms Q542*, Q603*.
Identifiers: ClinVar variation 2104321 (VCV002104321.4), dbSNP rs2545777027, ClinGen allele CA357002878.

ClinVar aggregate classification (germline): Uncertain significance (1 of 4 stars; one submission).

Submission:

Labcorp Genetics (formerly Invitae), Labcorp
Classification: Uncertain significance. Last evaluated: 2024-06-24. Review status: criteria provided, single submitter. Criteria: Invitae Variant Classification Sherloc (09022015). Collection method: clinical testing. Allele origin: germline.
Comment: This sequence change creates a premature translational stop signal (p.Gln603*) in the SRP72 gene. While this is not anticipated to result in nonsense mediated decay, it is expected to disrupt the last 69 amino acid(s) of the SRP72 protein. This variant is not present in population databases (gnomAD no frequency). This variant has not been reported in the literature in individuals affected with SRP72-related conditions. ClinVar contains an entry for this variant (Variation ID: 2104321). Experimental studies and prediction algorithms are not available or were not evaluated, and the functional significance of this variant is currently unknown. In summary, the available evidence is currently insufficient to determine the role of this variant in disease. Therefore, it has been classified as a Variant of Uncertain Significance.